The following is an entry in ClinVar:

ClinVar aggregate classification (germline): Uncertain significance (1 of 4 stars; one submission).

Conditions:
Autosomal recessive limb-girdle muscular dystrophy type 2Q (LGMDR17). Also called: MUSCULAR DYSTROPHY, LIMB-GIRDLE, AUTOSOMAL RECESSIVE 17. Identifiers: Orphanet 254361, MedGen C3150989, MONDO:0013390, OMIM 613723.
Epidermolysis bullosa simplex 5B, with muscular dystrophy (EBS5B). Also called: Epidermolysis bullosa simplex with muscular dystrophy; EPIDERMOLYSIS BULLOSA SIMPLEX AND LIMB-GIRDLE MUSCULAR DYSTROPHY. Identifiers: Orphanet 257, MedGen C2931072, MONDO:0009181, OMIM 226670.
Junctional epidermolysis bullosa with pyloric atresia. Also called: EPIDERMOLYSIS BULLOSA, JUNCTIONAL 5B, WITH PYLORIC ATRESIA; Junctional Epidermolysis Bullosa- Pyloric Atresia Syndrome; APLASIA CUTIS CONGENITA WITH GASTROINTESTINAL ATRESIA; CARMI SYNDROME; Epidermolysis bullosa, junctional, with pyloric atresia and aplasia cutis congenita; Epidermolysis bullosa junctionalis with pyloric atresia. Identifiers: Orphanet 79403, MedGen C5676875, MONDO:0009183, OMIM 226730.
Epidermolysis bullosa simplex, Ogna type (EBS5A). Also called: Pidermolysis bullosa simplex 5A, Ogna type; EPIDERMOLYSIS BULLOSA SIMPLEX 5A, OGNA TYPE. Identifiers: Orphanet 79401, MedGen C0432317, MONDO:0007555, OMIM 131950.
Epidermolysis bullosa simplex with nail dystrophy (EBS5D). Identifiers: MedGen C4225309, MONDO:0014661, OMIM 616487.
Epidermolysis bullosa simplex 5C, with pyloric atresia (EBS5C). Also called: PLEC-Related Epidermolysis Bullosa with Pyloric Atresia; PLEC1-Related Epidermolysis Bullosa with Pyloric Atresia; Epidermolysis bullosa simplex with pyloric atresia. Identifiers: Orphanet 158684, MedGen C2677349, MONDO:0012807, OMIM 612138.

Submission:

Labcorp Genetics (formerly Invitae), Labcorp
Classification: Uncertain significance for Autosomal recessive limb-girdle muscular dystrophy type 2Q; Epidermolysis bullosa simplex, Ogna type; Epidermolysis bullosa simplex with nail dystrophy; Epidermolysis bullosa simplex 5C, with pyloric atresia; Epidermolysis bullosa simplex 5B, with muscular dystrophy. Last evaluated: 2022-03-18. Review status: criteria provided, single submitter. Criteria: Invitae Variant Classification Sherloc (09022015). Collection method: clinical testing. Allele origin: germline.
Comment: This sequence change replaces leucine, which is neutral and non-polar, with proline, which is neutral and non-polar, at codon 2293 of the PLEC protein (p.Leu2293Pro). This variant is not present in population databases (gnomAD no frequency). This variant has not been reported in the literature in individuals affected with PLEC-related conditions. ClinVar contains an entry for this variant (Variation ID: 662575). Algorithms developed to predict the effect of missense changes on protein structure and function (SIFT, PolyPhen-2, Align-GVGD) all suggest that this variant is likely to be disruptive. In summary, the available evidence is currently insufficient to determine the role of this variant in disease. Therefore, it has been classified as a Variant of Uncertain Significance.

NM_201384.3(PLEC):c.6797T>C (p.Leu2266Pro)

Gene: PLEC (plectin; minus strand). Cytogenetic location: 8q24.3.
Variant type: single nucleotide variant.
Coding change: c.6797T>C on transcript NM_201384.3 (MANE Select); coding-DNA position 6797, T replaced by C.
Protein change: p.Leu2266Pro; replaces leucine 2266 with proline.
Molecular consequence: missense variant.
Genome position (GRCh38, 1-based): chr8:143,923,132, A>G on the plus strand (T>C on the coding strand, the complement: PLEC is on the minus strand). VCF-style: chr8-143923132-A-G. GRCh37 (hg19) VCF-style: chr8-144997300-A-G.
Other names: c.6878T>C, p.Leu2293Pro (NM_000445.5); c.6755T>C, p.Leu2252Pro (NM_201378.4); c.6731T>C, p.Leu2244Pro (NM_201379.3); c.7208T>C, p.Leu2403Pro (NM_201380.4); c.6701T>C, p.Leu2234Pro (NM_201381.3); c.6797T>C, p.Leu2266Pro (NM_201382.4); c.6809T>C, p.Leu2270Pro (NM_201383.3); short protein forms L2244P, L2252P, L2270P, L2403P, L2266P, L2234P, L2293P.
Identifiers: ClinVar variation 662575 (VCV000662575.9), dbSNP rs1586877407, ClinGen allele CA372532397.